The following is an entry in ClinVar:

NM_000702.4(ATP1A2):c.2513C>T (p.Thr838Met)

Gene: ATP1A2 (ATPase Na+/K+ transporting subunit alpha 2; plus strand). Cytogenetic location: 1q23.2.
Variant type: single nucleotide variant.
Coding change: c.2513C>T on transcript NM_000702.4 (MANE Select); coding-DNA position 2513, C replaced by T.
Protein change: p.Thr838Met; replaces threonine 838 with methionine.
Molecular consequence: missense variant.
Genome position (GRCh38, 1-based): chr1:160,136,320, C>T. VCF-style: chr1-160136320-C-T. GRCh37 (hg19) VCF-style: chr1-160106110-C-T.
Other names: short protein forms T838M.
Identifiers: ClinVar variation 1351909 (VCV001351909.9), dbSNP rs1282862455, ClinGen allele CA343251489.

ClinVar aggregate classification (germline): Uncertain significance. Review status: criteria provided, multiple submitters, no conflicts (2 of 4 stars). 2 submissions from 2 submitters: Uncertain significance (2). Last evaluated 2024-09-02.

Conditions:
Familial hemiplegic migraine. Identifiers: MedGen C0338484, MONDO:0000700.

Allele frequency attached by ClinVar (database versions not stated): gnomAD exomes below 0.00001; TOPMed below 0.00001.
gnomAD v4.1: 4 of 1,614,184 alleles (0.00025%); highest among the groups gnomAD compares: Non-Finnish European, 0.00025%; no homozygotes.

Submissions (2):

Blueprint Genetics
Classification: Uncertain significance. Last evaluated: 2024-09-02. Review status: criteria provided, single submitter. Criteria: ACMG Guidelines, 2015. Collection method: clinical testing. Allele origin: germline.

Labcorp Genetics (formerly Invitae), Labcorp
Classification: Uncertain significance for Familial hemiplegic migraine. Last evaluated: 2021-05-06. Review status: criteria provided, single submitter. Criteria: Invitae Variant Classification Sherloc (09022015). Collection method: clinical testing. Allele origin: germline.
Comment: This variant has not been reported in the literature in individuals with ATP1A2-related conditions. Advanced modeling of protein sequence and biophysical properties (such as structural, functional, and spatial information, amino acid conservation, physicochemical variation, residue mobility, and thermodynamic stability) performed at Invitae indicates that this missense variant is not expected to disrupt ATP1A2 protein function. In summary, the available evidence is currently insufficient to determine the role of this variant in disease. Therefore, it has been classified as a Variant of Uncertain Significance. This sequence change replaces threonine with methionine at codon 838 of the ATP1A2 protein (p.Thr838Met). The threonine residue is highly conserved and there is a moderate physicochemical difference between threonine and methionine. This variant is not present in population databases (ExAC no frequency).